The following is an entry in ClinVar:

ClinVar aggregate classification (germline): Uncertain significance (1 of 4 stars; one submission).

Conditions:
Inborn genetic diseases. Identifiers: MedGen C0950123, MeSH D030342.

Submission:

Ambry Genetics
Classification: Uncertain significance for Inborn genetic diseases. Last evaluated: 2022-03-26. Review status: criteria provided, single submitter. Criteria: Ambry Variant Classification Scheme 2023. Collection method: clinical testing. Allele origin: germline.
Comment: The p.G327D variant (also known as c.980G>A), located in coding exon 10 of the AKT1 gene, results from a G to A substitution at nucleotide position 980. The glycine at codon 327 is replaced by aspartic acid, an amino acid with similar properties. This amino acid position is conserved. In addition, this alteration is predicted to be tolerated by in silico analysis. Since supporting evidence is limited at this time, the clinical significance of this alteration remains unclear.

NM_001382430.1(AKT1):c.980G>A (p.Gly327Asp)

Gene: AKT1 (AKT serine/threonine kinase 1; minus strand). Cytogenetic location: 14q32.33.
Variant type: single nucleotide variant.
Coding change: c.980G>A on transcript NM_001382430.1 (MANE Select); coding-DNA position 980, G replaced by A.
Protein change: p.Gly327Asp; replaces glycine 327 with aspartic acid.
Molecular consequence: missense variant.
Genome position (GRCh38, 1-based): chr14:104,773,070, C>T on the plus strand (G>A on the coding strand, the complement: AKT1 is on the minus strand). VCF-style: chr14-104773070-C-T. GRCh37 (hg19) VCF-style: chr14-105239407-C-T.
Other names: c.980G>A, p.Gly327Asp (NM_001014431.2, NM_001014432.2, NM_001382431.1 and 3 more transcripts); short protein forms G327D.
Identifiers: ClinVar variation 1768283 (VCV001768283.2), dbSNP rs1274533572, ClinGen allele CA391217355.
Genomic context (GRCh38, chr14:104,773,070, plus strand): 5'-AGGCGACCGCACATCATCTCGTACATGACCACGCCCAGCCCCCACCAGTCCACTGCACGG[C>T]CGTAGTCATTGTCCTCCAGCACCTGCACGGGTGGCAGATGGGCAGGACTCGGCATCAAGG-3'
Protein context (NP_001369359.1, residues 317-337): APEVLEDNDY[Gly327Asp]RAVDWWGLGV